The following is an entry in ClinVar:

NM_004171.4(SLC1A2):c.1565T>C (p.Ile522Thr)

Gene: SLC1A2 (solute carrier family 1 member 2; minus strand). Cytogenetic location: 11p13.
Variant type: single nucleotide variant.
Coding change: c.1565T>C on transcript NM_004171.4 (MANE Select); coding-DNA position 1565, T replaced by C.
Protein change: p.Ile522Thr; replaces isoleucine 522 with threonine.
Molecular consequence: missense variant.
Genome position (GRCh38, 1-based): chr11:35,265,615, A>G on the plus strand (T>C on the coding strand, the complement: SLC1A2 is on the minus strand). VCF-style: chr11-35265615-A-G. GRCh37 (hg19) VCF-style: chr11-35287162-A-G.
Other names: c.1538T>C, p.Ile513Thr (NM_001195728.3, NM_001252652.2); short protein forms I513T, I522T.
Identifiers: ClinVar variation 2885696 (VCV002885696.3), dbSNP rs1176247793, ClinGen allele CA380118706.

ClinVar aggregate classification (germline): Uncertain significance (1 of 4 stars; one submission).

Allele frequency attached by ClinVar (database versions not stated): gnomAD exomes below 0.00001; gnomAD 0.00001; TOPMed 0.00002.
gnomAD v4.1: 4 of 1,612,856 alleles (0.00025%); highest among the groups gnomAD compares: East Asian, 0.0067%; no homozygotes.

Submission:

Labcorp Genetics (formerly Invitae), Labcorp
Classification: Uncertain significance. Last evaluated: 2024-01-27. Review status: criteria provided, single submitter. Criteria: Invitae Variant Classification Sherloc (09022015). Collection method: clinical testing. Allele origin: germline.
Comment: This sequence change replaces isoleucine, which is neutral and non-polar, with threonine, which is neutral and polar, at codon 522 of the SLC1A2 protein (p.Ile522Thr). This variant is present in population databases (no rsID available, gnomAD 0.02%). This variant has not been reported in the literature in individuals affected with SLC1A2-related conditions. An algorithm developed to predict the effect of missense changes on protein structure and function (PolyPhen-2) suggests that this variant is likely to be tolerated. In summary, the available evidence is currently insufficient to determine the role of this variant in disease. Therefore, it has been classified as a Variant of Uncertain Significance.